The following is an entry in ClinVar:

NM_000540.3(RYR1):c.14606A>C (p.Asp4869Ala)

Gene: RYR1 (ryanodine receptor 1; plus strand). Cytogenetic location: 19q13.2.
Variant type: single nucleotide variant.
Coding change: c.14606A>C on transcript NM_000540.3 (MANE Select); coding-DNA position 14606, A replaced by C.
Protein change: p.Asp4869Ala; replaces aspartic acid 4869 with alanine.
Molecular consequence: missense variant.
Genome position (GRCh38, 1-based): chr19:38,580,464, A>C. VCF-style: chr19-38580464-A-C. GRCh37 (hg19) VCF-style: chr19-39071104-A-C.
Other names: c.14591A>C, p.Asp4864Ala (NM_001042723.2); c.14606A>C (NM_000540.2); short protein forms D4864A, D4869A.
Identifiers: ClinVar variation 1048942 (VCV001048942.13), dbSNP rs781367427, ClinGen allele CA061427.

ClinVar aggregate classification (germline): Uncertain significance. Review status: criteria provided, multiple submitters, no conflicts (2 of 4 stars). 8 submissions from 8 submitters: Uncertain significance (7). 1 of the submissions does not count toward it. Last evaluated 2026-07-07.

Conditions:
Central core myopathy (CMYO1A). Also called: Central core disease; Myopathy, central fibrillar; CONGENITAL MYOPATHY 1A, AUTOSOMAL DOMINANT, WITH SUSCEPTIBILITY TO MALIGNANT HYPERTHERMIA. Identifiers: Orphanet 597, MedGen C5830701, MONDO:0007294, OMIM 117000.
Congenital myopathy with fiber type disproportion. Also called: Congenital fiber-type disproportion myopathy; Congenital fiber-type disproportion. Identifiers: Orphanet 2020, MedGen C0546264, MONDO:0009711. Inheritance: all.
Malignant hyperthermia, susceptibility to, 1 (MHS1). Also called: Anesthesia related hyperthermia; Malignant hyperpyrexia; Fulminating hyperpyrexia; Pharmacogenic myopathy; Malignant hyperthermia suceptibility 1; RYR1-Related Malignant Hyperthermia Susceptibility. Identifiers: Orphanet 423, MedGen C2930980, MONDO:0007783, OMIM 145600.
King Denborough syndrome (KDS). Identifiers: MedGen C1840365, MONDO:0020485, OMIM 619542.
Congenital multicore myopathy with external ophthalmoplegia (CMYO1B). Also called: Congenital myopathy 1B, autosomal recessive; Minicore myopathy; MULTICORE MYOPATHY; MULTIMINICORE DISEASE WITH EXTERNAL OPHTHALMOPLEGIA; Minicore myopathy with external ophthalmoplegia. Identifiers: Orphanet 598, Orphanet 98905, MedGen C1850674, MONDO:0009712, OMIM 255320, HP:0003789.
RYR1-related disorder. Also called: RYR1-related condition; RYR1-related disorders. Identifiers: MedGen CN239331.
Inborn genetic diseases. Identifiers: MedGen C0950123, MeSH D030342.

Allele frequency attached by ClinVar (database versions not stated): gnomAD exomes 0.00001 and 0.00004; gnomAD 0.00010 and 0.00011; ExAC 0.00002; TOPMed 0.00006.
gnomAD v4.1: 37 of 1,614,058 alleles (0.0023%); highest among the groups gnomAD compares: Middle Eastern, 0.033%; no homozygotes.

Submissions (8):

Ambry Genetics
Classification: Uncertain significance for Inborn genetic diseases. Last evaluated: 2026-07-07. Review status: criteria provided, single submitter. Criteria: Ambry Variant Classification Scheme 2023. Collection method: clinical testing. Allele origin: germline.
Comment: The p.D4869A variant (also known as c.14606A>C), located in coding exon 101 of the RYR1 gene, results from an A to C substitution at nucleotide position 14606. The aspartic acid at codon 4869 is replaced by alanine, an amino acid with dissimilar properties. This amino acid position is conserved. In addition, the in silico prediction for this alteration is inconclusive. Based on the available evidence, the clinical significance of this variant remains unclear.

Color Diagnostics, LLC DBA Color Health
Classification: Uncertain significance for Malignant hyperthermia, susceptibility to, 1. Last evaluated: 2024-03-06. Review status: criteria provided, single submitter. Criteria: ACMG Guidelines, 2015. Collection method: clinical testing. Allele origin: germline.
Comment: This missense variant replaces aspartic acid with alanine at codon 4869 of the RYR1 protein. Computational prediction suggests that this variant may have deleterious impact on protein structure and function. To our knowledge, functional studies have not been reported for this variant. This variant has not been reported in individuals affected with malignant hyperthermia in the literature. This variant has been identified in 11/251488 chromosomes in the general population by the Genome Aggregation Database (gnomAD). The available evidence is insufficient to determine the role of this variant in disease conclusively. Therefore, this variant is classified as a Variant of Uncertain Significance.

All of Us Research Program, National Institutes of Health
Classification: Uncertain significance for Malignant hyperthermia, susceptibility to, 1. Last evaluated: 2024-01-11. Review status: criteria provided, single submitter. Criteria: ACMG Guidelines, 2015. Collection method: clinical testing. Allele origin: germline. Inheritance: Autosomal dominant inheritance. Observed: 6 variant alleles, 6 heterozygotes.
Comment: This missense variant replaces aspartic acid with alanine at codon 4869 of the RYR1 protein. Computational prediction suggests that this variant may have deleterious impact on protein structure and function (internally defined REVEL score threshold >= 0.7, PMID: 27666373). To our knowledge, functional studies have not been reported for this variant. This variant has not been reported in individuals affected with malignant hyperthermia in the literature. This variant has been identified in 11/251488 chromosomes in the general population by the Genome Aggregation Database (gnomAD). The available evidence is insufficient to determine the role of this variant in disease conclusively. Therefore, this variant is classified as a Variant of Uncertain Significance.

This study involves interpretation of variants in research participants for the purpose of population health screening. Participant phenotype was not available at the time of variant classification. Additional details can be found in publication PMID: 35346344, PMCID: PMC8962531

Blueprint Genetics
Classification: Uncertain significance. Last evaluated: 2023-06-19. Review status: criteria provided, single submitter. Criteria: ACMG Guidelines, 2015. Collection method: clinical testing. Allele origin: germline.

Labcorp Genetics (formerly Invitae), Labcorp
Classification: Uncertain significance for RYR1-related disorder. Last evaluated: 2022-06-20. Review status: criteria provided, single submitter. Criteria: Invitae Variant Classification Sherloc (09022015). Collection method: clinical testing. Allele origin: germline.
Comment: This sequence change replaces aspartic acid, which is acidic and polar, with alanine, which is neutral and non-polar, at codon 4869 of the RYR1 protein (p.Asp4869Ala). This variant is present in population databases (rs781367427, gnomAD 0.009%). This variant has not been reported in the literature in individuals affected with RYR1-related conditions. ClinVar contains an entry for this variant (Variation ID: 1048942). Advanced modeling of protein sequence and biophysical properties (such as structural, functional, and spatial information, amino acid conservation, physicochemical variation, residue mobility, and thermodynamic stability) performed at Invitae indicates that this missense variant is expected to disrupt RYR1 protein function. In summary, the available evidence is currently insufficient to determine the role of this variant in disease. Therefore, it has been classified as a Variant of Uncertain Significance.

Fulgent Genetics
Classification: Uncertain significance for Central core myopathy; Malignant hyperthermia, susceptibility to, 1; Congenital myopathy 4A, autosomal dominant; Congenital multicore myopathy with external ophthalmoplegia; King Denborough syndrome. Last evaluated: 2021-10-16. Review status: criteria provided, single submitter. Criteria: ACMG Guidelines, 2015. Collection method: clinical testing. Allele origin: unknown.

Revvity Omics, Revvity
Classification: Uncertain significance. Last evaluated: 2019-07-08. Review status: criteria provided, single submitter. Criteria: ACMG Guidelines, 2015. Collection method: clinical testing. Allele origin: germline.

Department of Pathology and Laboratory Medicine, Sinai Health System
Classification: Uncertain significance. Review status: no assertion criteria provided. Collection method: clinical testing. Allele origin: unknown. Affected: yes. Study: The Canadian Open Genetics Repository (COGR). Not counted in ClinVar's aggregate classification.
Comment: The RYR1 p.D4869A variant was not identified in the literature nor was it identified in ClinVar. The variant was identified in dbSNP (ID: rs781367427) and in control databases in 11 of 251488 chromosomes at a frequency of 0.00004374, and was observed at the highest allele count in the European (non-Finnish) population in 7 of 113766 chromosomes (freq: 0.00006153) (Genome Aggregation Database March 6, 2019, v2.1.1). The p.D4869 residue is conserved in mammals and computational analyses (MUT Assesor, PolyPhen-2, SIFT, MutationTaster, Revel, FATHMM, MetaLR, DANN) suggest that the variant may impact the protein; however, this information is not predictive enough to assume pathogenicity. The variant occurs outside of the splicing consensus sequence and in silico or computational prediction software programs (Splice AI exome) do not predict a difference in splicing. In summary, based on the above information the clinical significance of this variant cannot be determined with certainty at this time. This variant is classified as a variant of uncertain significance.